The following is an entry in ClinVar:

NM_201548.5(CERKL):c.1506C>T (p.Asp502=)

Gene: CERKL (CERK like autophagy regulator; minus strand). Cytogenetic location: 2q31.3.
Variant type: single nucleotide variant.
Coding change: c.1506C>T on transcript NM_201548.5 (MANE Select); coding-DNA position 1506, C replaced by T.
Protein change: p.Asp502=; no amino-acid change (aspartic acid 502 retained).
Molecular consequence: synonymous variant. On other transcripts: non-coding transcript variant (2).
Genome position (GRCh38, 1-based): chr2:181,539,124, G>A on the plus strand (C>T on the coding strand, the complement: CERKL is on the minus strand). VCF-style: chr2-181539124-G-A. GRCh37 (hg19) VCF-style: chr2-182403851-G-A.
Other names: c.1584C>T, p.Asp528= (NM_001030311.3); c.1167C>T, p.Asp389= (NM_001030312.3); c.1299C>T, p.Asp433= (NM_001030313.3); c.1452C>T, p.Asp484= (NM_001160277.2).
Identifiers: ClinVar variation 166844 (VCV000166844.30), dbSNP rs10180793, ClinGen allele CA179867.
Genomic context (GRCh38, chr2:181,539,124, plus strand): 5'-CAATAAGCGGTGAAATAAATAGACTTACCTAATATGGACCTCTGATGCAACTTCCATTAA[G>A]TCACCATCTACATTCCAAGGGAAACAATTTTCTGAAGCAGTTTCATCCTCCTCCTCCTCT-3'
Protein context (NP_963842.1, residues 492-512): ENCFPWNVDG[Asp502=]LMEVASEVHI

ClinVar aggregate classification (germline): Benign. Review status: criteria provided, multiple submitters, no conflicts (2 of 4 stars). 11 submissions from 11 submitters: Benign (8). 3 of the submissions do not count toward it. Last evaluated 2026-02-04.

Conditions:
Retinitis pigmentosa (RP). Identifiers: Orphanet 791, MedGen C0035334, MeSH D012174, MONDO:0019200, OMIM 268000. Inheritance: Autosomal dominant, autosomal recessive and X linked inheritance.
Retinitis pigmentosa 26 (RP26). Identifiers: Orphanet 791, MedGen C1842127, MONDO:0012024, OMIM 608380.

Allele frequency attached by ClinVar (database versions not stated): 1000 Genomes Project 0.99121; 1000 Genomes Project 30x 0.99157; TOPMed 0.99188; gnomAD 0.99229 and 0.99275; ESP Exome Variant Server 0.99323; ExAC 0.99748; gnomAD exomes 0.99793 and 0.99921.
gnomAD v4.1: 1,606,115 of 1,608,470 alleles (100%); highest among the groups gnomAD compares: East Asian, 100%; 801,911 homozygotes.

Submissions (11):

Labcorp Genetics (formerly Invitae), Labcorp
Classification: Benign. Last evaluated: 2026-02-04. Review status: criteria provided, single submitter. Criteria: Invitae Variant Classification Sherloc (09022015). Collection method: clinical testing. Allele origin: germline.

Blueprint Genetics
Classification: Benign. Last evaluated: 2024-11-26. Review status: criteria provided, single submitter. Criteria: ACMG Guidelines, 2015. Collection method: clinical testing. Allele origin: germline.

Genome-Nilou Lab
Classification: Benign for Retinitis pigmentosa 26. Last evaluated: 2021-07-10. Review status: criteria provided, single submitter. Criteria: ACMG Guidelines, 2015. Collection method: clinical testing. Allele origin: germline. Affected: no.

Illumina Laboratory Services, Illumina
Classification: Benign for Retinitis pigmentosa. Last evaluated: 2018-01-13. Review status: criteria provided, single submitter. Criteria: ICSL Variant Classification Criteria 13 December 2019. Collection method: clinical testing. Allele origin: germline.
Comment: This variant was observed in the ICSL laboratory as part of a predisposition screen in an ostensibly healthy population. It had not been previously curated by ICSL or reported in the Human Gene Mutation Database (HGMD: prior to June 1st, 2018), and was therefore a candidate for classification through an automated scoring system. Utilizing variant allele frequency, disease prevalence and penetrance estimates, and inheritance mode, an automated score was calculated to assess if this variant is too frequent to cause the disease. Based on the score and internal cut-off values, a variant classified as benign is not then subjected to further curation. The score for this variant resulted in a classification of benign for this disease.

GeneDx
Classification: Benign. Last evaluated: 2015-03-03. Review status: criteria provided, single submitter. Criteria: GeneDx Variant Classification Process June 2021. Collection method: clinical testing. Allele origin: germline. Affected: yes.

Eurofins Ntd Llc (ga)
Classification: Benign. Last evaluated: 2014-02-19. Review status: criteria provided, single submitter. Criteria: EGL Classification Definitions 2015. Collection method: clinical testing. Allele origin: germline. Observed: 1 variant allele, 1 homozygote.

Breakthrough Genomics
Classification: Benign. Review status: criteria provided, single submitter. Criteria: ACMG Guidelines, 2015. Collection method: not provided. Allele origin: germline. Inheritance: Autosomal recessive inheritance. Affected: yes.

PreventionGenetics, part of Exact Sciences
Classification: Benign. Review status: criteria provided, single submitter. Criteria: ACMG Guidelines, 2015. Collection method: clinical testing. Allele origin: germline.

Natera, Inc.
Classification: Benign for Retinitis Pigmentosa 26. Last evaluated: 2019-11-21. Review status: no assertion criteria provided. Collection method: clinical testing. Allele origin: germline. Not counted in ClinVar's aggregate classification.

Diagnostic Laboratory, Department of Genetics, University Medical Center Groningen
Classification: Benign. Review status: no assertion criteria provided. Collection method: clinical testing. Allele origin: germline. Affected: yes. Study: VKGL Data-share Consensus. Not counted in ClinVar's aggregate classification.

Joint Genome Diagnostic Labs from Nijmegen and Maastricht, Radboudumc and MUMC+
Classification: Benign. Review status: no assertion criteria provided. Collection method: clinical testing. Allele origin: germline. Affected: yes. Study: VKGL Data-share Consensus. Not counted in ClinVar's aggregate classification.